The following is an entry in ClinVar:

ClinVar aggregate classification (germline): Uncertain significance (1 of 4 stars; one submission).

Conditions:
Familial meningioma. Also called: Meningioma, familial, susceptibility to. Identifiers: Orphanet 263662, MedGen C3551915, MONDO:0011789, OMIM 607174.

Submission:

Labcorp Genetics (formerly Invitae), Labcorp
Classification: Uncertain significance for Familial meningioma. Last evaluated: 2024-05-27. Review status: criteria provided, single submitter. Criteria: Invitae Variant Classification Sherloc (09022015). Collection method: clinical testing. Allele origin: germline.
Comment: This sequence change replaces lysine, which is basic and polar, with arginine, which is basic and polar, at codon 367 of the SMARCE1 protein (p.Lys367Arg). This variant is not present in population databases (gnomAD no frequency). This variant has not been reported in the literature in individuals affected with SMARCE1-related conditions. Advanced modeling of protein sequence and biophysical properties (such as structural, functional, and spatial information, amino acid conservation, physicochemical variation, residue mobility, and thermodynamic stability) performed at Invitae indicates that this missense variant is not expected to disrupt SMARCE1 protein function with a negative predictive value of 80%. In summary, the available evidence is currently insufficient to determine the role of this variant in disease. Therefore, it has been classified as a Variant of Uncertain Significance.

NM_003079.5(SMARCE1):c.1100A>G (p.Lys367Arg)

Gene: SMARCE1 (SWI/SNF related BAF chromatin remodeling complex subunit E1; minus strand). Cytogenetic location: 17q21.2.
Variant type: single nucleotide variant.
Coding change: c.1100A>G on transcript NM_003079.5 (MANE Select); coding-DNA position 1100, A replaced by G.
Protein change: p.Lys367Arg; replaces lysine 367 with arginine.
Molecular consequence: missense variant.
Genome position (GRCh38, 1-based): chr17:40,628,921, T>C on the plus strand (A>G on the coding strand, the complement: SMARCE1 is on the minus strand). VCF-style: chr17-40628921-T-C. GRCh37 (hg19) VCF-style: chr17-38785173-T-C.
Other names: short protein forms K367R.
Identifiers: ClinVar variation 3654771 (VCV003654771.2).